The following is an entry in ClinVar:

NM_004606.5(TAF1):c.2874G>A (p.Thr958=)

Gene: TAF1 (TATA-box binding protein associated factor 1; plus strand). Cytogenetic location: Xq13.1.
Variant type: single nucleotide variant.
Coding change: c.2874G>A on transcript NM_004606.5 (MANE Select); coding-DNA position 2874, G replaced by A.
Protein change: p.Thr958=; no amino-acid change (threonine 958 retained).
Molecular consequence: synonymous variant. On other transcripts: non-coding transcript variant (9).
Genome position (GRCh38, 1-based): chrX:71,392,661, G>A. VCF-style: chrX-71392661-G-A. GRCh37 (hg19) VCF-style: chrX-70612511-G-A.
Other names: c.2874G>A, p.Thr958= (NM_001286074.2); c.2811G>A, p.Thr937= (NM_138923.4).
Identifiers: ClinVar variation 2904634 (VCV002904634.4), dbSNP rs759265928, ClinGen allele CA10446947.
Genomic context (GRCh38, chrX:71,392,661, plus strand): 5'-CTTCATTGCTGCCATGAAGGGCAAGTGTCTGCTAGAGGTGACTGGGGTGGCAGATCCCAC[G>A]GGGTGTGGTGAAGGATTCTCCTATGTGAAGATTCCAAACAAACCAACACAGCAGAAGGTG-3'
Protein context (NP_004597.3, residues 948-968): LLEVTGVADP[Thr958=]GCGEGFSYVK

ClinVar aggregate classification (germline): Benign/Likely benign. Review status: criteria provided, multiple submitters, no conflicts (2 of 4 stars). 2 submissions from 2 submitters: Benign (1); Likely benign (1). Last evaluated 2026-07-01.

Allele frequency attached by ClinVar (database versions not stated): gnomAD 0.00001; gnomAD exomes 0.00002; ExAC 0.00006.
gnomAD v4.1: 24 of 1,207,130 alleles (0.002%); highest among the groups gnomAD compares: South Asian, 0.023%; no homozygotes.

Submissions (2):

CeGaT Center for Human Genetics Tuebingen
Classification: Likely benign. Last evaluated: 2026-07-01. Review status: criteria provided, single submitter. Criteria: CeGaT Center For Human Genetics Tuebingen Variant Classification Criteria Version 2. Collection method: clinical testing. Allele origin: germline. Affected: yes. Observed: 1 variant allele.
Comment: TAF1: BP4, BP7, BS2

Labcorp Genetics (formerly Invitae), Labcorp
Classification: Benign. Last evaluated: 2024-02-02. Review status: criteria provided, single submitter. Criteria: Invitae Variant Classification Sherloc (09022015). Collection method: clinical testing. Allele origin: germline.